The following is an entry in ClinVar:

ClinVar aggregate classification (germline): Uncertain significance (0 of 4 stars; one submission).

Conditions:
Polycystic kidney disease. Also called: Polycystic kidney dysplasia; Kidney, Polycystic. Identifiers: MedGen C0022680, MeSH D007690, MONDO:0020642, HP:0000113.

Submission:

Department of Pathology and Laboratory Medicine, Sinai Health System
Classification: Uncertain significance for Polycystic Kidney disease. Review status: no assertion criteria provided. Collection method: clinical testing. Allele origin: unknown. Affected: yes. Study: The Canadian Open Genetics Repository (COGR).
Comment: The PKD2 p.Leu842Arg variant was not identified in the literature nor was it identified in the dbSNP, ClinVar, GeneInsight-COGR, LOVD 3.0, ADPKD Mutation Database or PKD1-LOVD databases. The variant was not identified in the following control databases: the 1000 Genomes Project, the NHLBI GO Exome Sequencing Project, the Exome Aggregation Consortium (August 8th 2016), or the Genome Aggregation Database (Feb 27, 2017). The p.Leu842 residue is conserved in mammals but not in more distantly related organisms, and computational analyses (PolyPhen-2, SIFT, AlignGVGD, BLOSUM, MutationTaster) suggest that the variant may impact the protein; however, this information is not predictive enough to assume pathogenicity. The variant occurs outside of the splicing consensus sequence and in silico or computational prediction software programs (SpliceSiteFinder, MaxEntScan, NNSPLICE, GeneSplicer, HumanSpliceFinder) do not predict a difference in splicing. In summary, based on the above information the clinical significance of this variant cannot be determined with certainty at this time. This variant is classified as a variant of uncertain significance.

NM_000297.4(PKD2):c.2525T>G (p.Leu842Arg)

Gene: PKD2 (polycystin 2, transient receptor potential cation channel; plus strand). Cytogenetic location: 4q22.1.
Variant type: single nucleotide variant.
Coding change: c.2525T>G on transcript NM_000297.4 (MANE Select); coding-DNA position 2525, T replaced by G.
Protein change: p.Leu842Arg; replaces leucine 842 with arginine.
Molecular consequence: missense variant. On other transcripts: non-coding transcript variant (1).
Genome position (GRCh38, 1-based): chr4:88,074,814, T>G. VCF-style: chr4-88074814-T-G. GRCh37 (hg19) VCF-style: chr4-88995966-T-G.
Other names: short protein forms L842R.
Identifiers: ClinVar variation 997249 (VCV000997249.1), dbSNP rs1721170351, ClinGen allele CA357627501.
Genomic context (GRCh38, chr4:88,074,814, plus strand): 5'-TGGGGCTGAAAAGACAATGACAAGCACTTTGTCCCTCTGTACTGTGTTTTCCTTGCAGCC[T>G]GGTGAGACGAGTGGACCGGATGGAGCATTCCATCGGCAGCATAGTGTCCAAGATTGACGC-3'
Protein context (NP_000288.1, residues 832-852): SGVSYEEFQV[Leu842Arg]VRRVDRMEHS